The following is an entry in ClinVar:

NM_001110556.2(FLNA):c.3764C>T (p.Thr1255Ile)

Gene: FLNA (filamin A; minus strand). Cytogenetic location: Xq28.
Variant type: single nucleotide variant.
Coding change: c.3764C>T on transcript NM_001110556.2 (MANE Select); coding-DNA position 3764, C replaced by T.
Protein change: p.Thr1255Ile; replaces threonine 1255 with isoleucine.
Molecular consequence: missense variant.
Genome position (GRCh38, 1-based): chrX:154,360,031, G>A on the plus strand (C>T on the coding strand, the complement: FLNA is on the minus strand). VCF-style: chrX-154360031-G-A. GRCh37 (hg19) VCF-style: chrX-153588399-G-A.
Other names: c.3764C>T, p.Thr1255Ile (NM_001456.4); short protein forms T1255I.
Identifiers: ClinVar variation 4871442 (VCV004871442.1).
Genomic context (GRCh38, chrX:154,360,031, plus strand): 5'-CCACGGCAGGGCAACTCACCCTGGCCCTCAATACCAGGCCCATAGCACTGGACACCGGAA[G>A]TGTCCACCGCAGGTTCCACCTGCAGCTTGCTGGGGAAGTTGGGCACGGGCTGGCCGCCGT-3'
Protein context (NP_001104026.1, residues 1245-1265): SKLQVEPAVD[Thr1255Ile]SGVQCYGPGI

ClinVar aggregate classification (germline): Uncertain significance (1 of 4 stars; one submission).

Conditions:
Familial thoracic aortic aneurysm and aortic dissection (TAAD). Also called: Thoracic aortic aneurysms and dissections. Identifiers: Orphanet 91387, MedGen C4707243, MONDO:0019625.

Submission:

Ambry Genetics
Classification: Uncertain significance for Familial thoracic aortic aneurysm and aortic dissection. Last evaluated: 2026-05-17. Review status: criteria provided, single submitter. Criteria: Ambry Variant Classification Scheme 2023. Collection method: clinical testing. Allele origin: germline.
Comment: The p.T1255I variant (also known as c.3764C>T), located in coding exon 21 of the FLNA gene, results from a C to T substitution at nucleotide position 3764. The threonine at codon 1255 is replaced by isoleucine, an amino acid with similar properties. This amino acid position is conserved. In addition, the in silico prediction for this alteration is inconclusive. Based on the available evidence, the clinical significance of this variant remains unclear.